The following is an entry in ClinVar:

NM_002691.4(POLD1):c.2953+6G>C

Gene: POLD1 (DNA polymerase delta 1, catalytic subunit; plus strand). Cytogenetic location: 19q13.33.
Variant type: single nucleotide variant.
Coding change: c.2953+6G>C on transcript NM_002691.4 (MANE Select); 6 bases into the intron after coding-DNA position 2953, G replaced by C.
Molecular consequence: intron variant.
Genome position (GRCh38, 1-based): chr19:50,416,534, G>C. VCF-style: chr19-50416534-G-C. GRCh37 (hg19) VCF-style: chr19-50919791-G-C.
Other names: c.2953+6G>C (LRG_785t1, NM_001256849.1); c.3031+6G>C (LRG_785t2, NM_001308632.1).
Identifiers: ClinVar variation 649782 (VCV000649782.8), dbSNP rs1012080851, ClinGen allele CA633897445.

ClinVar aggregate classification (germline): Uncertain significance (1 of 4 stars; one submission).

Conditions:
POLD1-related polyposis and colorectal cancer syndrome (CRCS10). Also called: Colorectal cancer, susceptibility to, 10; Colorectal cancer 10; COLORECTAL CANCER, SUSCEPTIBILITY TO, ON CHROMOSOME 19q. Identifiers: Orphanet 220460, MedGen C2675481, MONDO:0012953, OMIM 612591.

gnomAD v4.1: 1 of 1,551,790 alleles (0.000064%); highest among the groups gnomAD compares: East Asian, 0.0024%; no homozygotes.

Submission:

Labcorp Genetics (formerly Invitae), Labcorp
Classification: Uncertain significance for POLD1-related polyposis and colorectal cancer syndrome. Last evaluated: 2018-10-23. Review status: criteria provided, single submitter. Criteria: Invitae Variant Classification Sherloc (09022015). Collection method: clinical testing. Allele origin: germline.
Comment: This sequence change falls in intron 23 of the POLD1 gene. It does not directly change the encoded amino acid sequence of the POLD1 protein, but it affects a nucleotide within the consensus splice site of the intron. The frequency data for this variant in the population databases is considered unreliable, as metrics indicate insufficient coverage at this position in the ExAC database. In summary, the available evidence is currently insufficient to determine the role of this variant in disease. Therefore, it has been classified as a Variant of Uncertain Significance. Nucleotide substitutions within the consensus splice site are a relatively common cause of aberrant splicing (PMID: 17576681, 9536098). Algorithms developed to predict the effect of sequence changes on RNA splicing suggest that this variant is not likely to affect RNA splicing, but this prediction has not been confirmed by published transcriptional studies. This variant has not been reported in the literature in individuals with POLD1-related disease.

Literature cited by the submitters: PubMed 17576681; PubMed 9536098.